The following is an entry in ClinVar:

NM_001267550.2(TTN):c.44281+1G>T

Gene: TTN (titin; minus strand). Cytogenetic location: 2q31.2.
Variant type: single nucleotide variant.
Coding change: c.44281+1G>T on transcript NM_001267550.2 (MANE Select); the canonical splice donor site of the intron after coding-DNA position 44281, G replaced by T.
Molecular consequence: splice donor variant.
Genome position (GRCh38, 1-based): chr2:178,630,240, C>A on the plus strand (G>T on the coding strand, the complement: TTN is on the minus strand). VCF-style: chr2-178630240-C-A. GRCh37 (hg19) VCF-style: chr2-179494967-C-A.
Other names: c.17086+1G>T (NM_003319.4); c.17662+1G>T (NM_133437.4); c.17461+1G>T (NM_133432.3); c.36577+1G>T (NM_133378.4); c.39358+1G>T (NM_001256850.1).
Identifiers: ClinVar variation 3755393 (VCV003755393.2).

ClinVar aggregate classification (germline): Pathogenic (1 of 4 stars; one submission).

Conditions:
Dilated cardiomyopathy 1G (CMD1G). Identifiers: Orphanet 154, MedGen C1858763, MONDO:0011400, OMIM 604145.
Autosomal recessive limb-girdle muscular dystrophy type 2J (LGMDR10). Also called: Limb-girdle muscular dystrophy, type 2J; MUSCULAR DYSTROPHY, LIMB-GIRDLE, AUTOSOMAL RECESSIVE 10. Identifiers: Orphanet 140922, MedGen C1837342, MONDO:0012127, OMIM 608807.

Submission:

Labcorp Genetics (formerly Invitae), Labcorp
Classification: Pathogenic for Dilated cardiomyopathy 1G; Autosomal recessive limb-girdle muscular dystrophy type 2J. Last evaluated: 2024-03-19. Review status: criteria provided, single submitter. Criteria: Invitae Variant Classification Sherloc (09022015). Collection method: clinical testing. Allele origin: germline.
Comment: This sequence change affects a donor splice site in intron 239 of the TTN gene. It is expected to disrupt RNA splicing and likely results in a truncated or disrupted TTN protein. This variant is not present in population databases (gnomAD no frequency). Disruption of this splice site has been observed in individuals with autosomal dominant dilated cardiomyopathy (Invitae). Algorithms developed to predict the effect of sequence changes on RNA splicing suggest that this variant may disrupt the consensus splice site. This variant is located in the I band of TTN (PMID: 25589632). Truncating variants in this region have been reported in individuals affected with autosomal recessive centronuclear myopathy (PMID: 23975875, Invitae internal data). Truncating variants in this region have also been identified in individuals affected with autosomal dominant dilated cardiomyopathy and/or cardio-related conditions (PMID: 27869827, 32964742, Invitae internal data). For these reasons, this variant has been classified as Pathogenic.

Literature cited by the submitters: PubMed 25589632; PubMed 23975875; PubMed 27869827; PubMed 32964742.